The following is an entry in ClinVar:

ClinVar aggregate classification (germline): Uncertain significance (1 of 4 stars; one submission).

Submission:

Ambry Genetics
Classification: Uncertain significance. Last evaluated: 2026-07-04. Review status: criteria provided, single submitter. Criteria: Ambry Variant Classification Scheme 2023. Collection method: clinical testing. Allele origin: germline.
Comment: The p.N694S variant (also known as c.2081A>G), located in coding exon 21 of the RASA2 gene, results from an A to G substitution at nucleotide position 2081. The asparagine at codon 694 is replaced by serine, an amino acid with highly similar properties. This amino acid position is conserved. In addition, this alteration is predicted to be tolerated by in silico analysis. Based on the available evidence, the clinical significance of this variant remains unclear.

NM_006506.5(RASA2):c.2081A>G (p.Asn694Ser)

Gene: RASA2 (RAS p21 protein activator 2; plus strand). Cytogenetic location: 3q23.
Variant type: single nucleotide variant.
Coding change: c.2081A>G on transcript NM_006506.5 (MANE Select); coding-DNA position 2081, A replaced by G.
Protein change: p.Asn694Ser; replaces asparagine 694 with serine.
Molecular consequence: missense variant.
Genome position (GRCh38, 1-based): chr3:141,608,553, A>G. VCF-style: chr3-141608553-A-G. GRCh37 (hg19) VCF-style: chr3-141327395-A-G.
Other names: c.2084A>G, p.Asn695Ser (NM_001303245.3); c.2093A>G, p.Asn698Ser (NM_001303246.3); short protein forms N695S, N694S, N698S.
Identifiers: ClinVar variation 5027882 (VCV005027882.1).
Genomic context (GRCh38, chr3:141,608,553, plus strand): 5'-TCCAAGTAATACATACGGAGAAACCACTCTATGTCCAGGCAAATAACTGTGTAGAAGCTA[A>G]TGAATGGATAGACGTACTCTGCAGGGTGAGCCGATGCAATCAAAACAGGCTCAGTTTTTA-3'
Protein context (NP_006497.2, residues 684-704): YVQANNCVEA[Asn694Ser]EWIDVLCRVS